The following is an entry in ClinVar:

ClinVar aggregate classification (germline): Conflicting classifications of pathogenicity. Review status: criteria provided, conflicting classifications (1 of 4 stars). 14 submissions from 14 submitters: Uncertain significance (10); Likely benign (4). Last evaluated 2025-11-19.

Conditions:
TTN-related disorder. Also called: TTN-related condition; TTN-related disease; TTN-related disorders.
Cardiovascular phenotype. Identifiers: MedGen CN230736.
Dilated cardiomyopathy 1G (CMD1G). Identifiers: Orphanet 154, MedGen C1858763, MONDO:0011400, OMIM 604145.
Autosomal recessive limb-girdle muscular dystrophy type 2J (LGMDR10). Also called: Limb-girdle muscular dystrophy, type 2J; MUSCULAR DYSTROPHY, LIMB-GIRDLE, AUTOSOMAL RECESSIVE 10. Identifiers: Orphanet 140922, MedGen C1837342, MONDO:0012127, OMIM 608807.
Cardiomyopathy (CMYO). Also called: Cardiomyopathies. Identifiers: Orphanet 167848, MedGen C0878544, MONDO:0004994, HP:0001638. Inheritance: Various modes of inheritance.

Allele frequency attached by ClinVar (database versions not stated): 1000 Genomes Project 30x 0.00016; TOPMed 0.00018; 1000 Genomes Project 0.00020.
gnomAD v4.1: 570 of 1,612,872 alleles (0.035%); highest among the groups gnomAD compares: Non-Finnish European, 0.045%; no homozygotes.

Submissions (14):

Women's Health and Genetics/Laboratory Corporation of America, LabCorp
Classification: Likely benign. Last evaluated: 2025-11-19. Review status: criteria provided, single submitter. Criteria: LabCorp Variant Classification Summary - May 2015. Collection method: clinical testing. Allele origin: germline.
Comment: Variant summary: TTN c.75577G>A (p.Val25193Ile) results in a conservative amino acid change in the encoded protein sequence. Algorithms developed to predict the effect of missense changes on protein structure and function are either unavailable or do not agree on the potential impact of this missense change. The variant allele was found at a frequency of 0.00035 in 1612872 control chromosomes, predominantly at a frequency of 0.00045 within the Non-Finnish European subpopulation in the gnomAD database. The observed variant frequency within Non-Finnish European control individuals in the gnomAD database exceeds the estimated maximal expected allele frequency for disease-causing variants in TTN. c.75577G>A has been observed in an individual affected with hypertrophic cardiomyopathy who also carried a pathogenic MYBPC3 variant (c.1483C>G, p.Arg495Gly) (Lopes_2013). This report does not provide unequivocal conclusions about association of the variant with TTN-related conditions. To our knowledge, no experimental evidence demonstrating an impact on protein function has been reported. The following publication has been ascertained in the context of this evaluation (PMID: 23396983). ClinVar contains an entry for this variant (Variation ID: 47422). Based on the evidence outlined above, the variant was classified as likely benign.

PreventionGenetics, part of Exact Sciences
Classification: Likely benign for TTN-related condition. Last evaluated: 2025-08-11. Review status: criteria provided, single submitter. Criteria: ACMG Guidelines, 2015. Collection method: clinical testing. Allele origin: germline.
Comment: This variant is classified as likely benign based on ACMG/AMP sequence variant interpretation guidelines (Richards et al. 2015 PMID: 25741868, with internal and published modifications).

Genomic Medicine Center of Excellence, King Faisal Specialist Hospital and Research Centre
Classification: Uncertain significance for Dilated cardiomyopathy 1G. Last evaluated: 2025-01-04. Review status: criteria provided, single submitter. Criteria: ACMG Guidelines, 2015. Collection method: clinical testing. Allele origin: germline.

Revvity Omics, Revvity
Classification: Uncertain significance. Last evaluated: 2024-11-07. Review status: criteria provided, single submitter. Criteria: ACMG Guidelines, 2015. Collection method: clinical testing. Allele origin: germline.

CeGaT Center for Human Genetics Tuebingen
Classification: Uncertain significance. Last evaluated: 2023-12-01. Review status: criteria provided, single submitter. Criteria: CeGaT Center For Human Genetics Tuebingen Variant Classification Criteria Version 2. Collection method: clinical testing. Allele origin: germline. Affected: yes. Observed: 2 variant alleles.
Comment: TTN: PM2

Laboratory for Molecular Medicine, Mass General Brigham Personalized Medicine
Classification: Likely benign. Last evaluated: 2022-06-30. Review status: criteria provided, single submitter. Criteria: ACMG Guidelines, 2015. Collection method: clinical testing. Allele origin: germline.
Comment: Disclaimer: This variant has not undergone full assessment. The following are preliminary notes: . ACMG Criteria applied: BS1.

GeneDx
Classification: Likely benign. Last evaluated: 2020-06-11. Review status: criteria provided, single submitter. Criteria: GeneDx Variant Classification Process June 2021. Collection method: clinical testing. Allele origin: germline. Affected: yes.
Comment: This variant is associated with the following publications: (PMID: 23396983)

Baylor Genetics
Classification: Uncertain significance for Dilated cardiomyopathy 1G. Last evaluated: 2020-01-21. Review status: criteria provided, single submitter. Criteria: ACMG Guidelines, 2015. Collection method: clinical testing. Allele origin: unknown. Affected: yes.
Comment: This variant was determined to be of uncertain significance according to ACMG Guidelines, 2015 [PMID:25741868].

ARUP Laboratories, Molecular Genetics and Genomics, ARUP Laboratories
Classification: Uncertain significance. Last evaluated: 2019-09-30. Review status: criteria provided, single submitter. Criteria: ARUP Molecular Germline Variant Investigation Process. Collection method: clinical testing. Allele origin: germline.
Comment: The TTN c.83281G>A; p.Val27761Ile variant (rs371788070; ClinVar Variation ID: 47422) is rare in the general population (<1% allele frequency in the Genome Aggregation Database) and has been reported in an individual with hypertrophic cardiomyopathy, although this individual also carried a pathogenic variant in a different gene (Lopes 2013). The clinical relevance of rare missense variants in the TTN gene, which are identified on average once per individual sequenced in affected populations (Herman 2012), is not well understood. Yet, evidence suggests that the vast majority of such missense variants do not contribute to the clinical outcome of DCM (Begay 2015). Thus, the clinical significance of the p.Val27761Ile variant cannot be determined with certainty. References: Begay RL et al. Role of Titin Missense Variants in Dilated Cardiomyopathy. J Am Heart Assoc. 2015 Nov 13;4(11). Herman DS et al. Truncations of titin causing dilated cardiomyopathy. N Engl J Med. 2012 Feb 16;366(7):619-28. Linke and Hamdani. Gigantic business: titin properties and function through thick and thin. Circ Res 2014; 114(6): 1052-1068. Lopes LR et al. Genetic complexity in hypertrophic cardiomyopathy revealed by high-throughput sequencing. J Med Genet. 2013 Apr;50(4):228-39.

Ambry Genetics
Classification: Uncertain significance for Cardiovascular phenotype. Last evaluated: 2019-04-19. Review status: criteria provided, single submitter. Criteria: Ambry Variant Classification Scheme 2023. Collection method: clinical testing. Allele origin: germline.
Comment: The p.V18696I variant (also known as c.56086G>A), located in coding exon 153 of the TTN gene, results from a G to A substitution at nucleotide position 56086. The valine at codon 18696 is replaced by isoleucine, an amino acid with highly similar properties. This amino acid position is highly conserved in available vertebrate species. In addition, this alteration is predicted to be tolerated by in silico analysis. Since supporting evidence is limited at this time, the clinical significance of this alteration remains unclear.

Eurofins Ntd Llc (ga)
Classification: Uncertain significance. Last evaluated: 2018-08-30. Review status: criteria provided, single submitter. Criteria: EGL ClinVar v180209 classification definitions. Collection method: clinical testing. Allele origin: germline. Observed: 5 variant alleles, 5 heterozygotes.

Labcorp Genetics (formerly Invitae), Labcorp
Classification: Uncertain significance for Dilated cardiomyopathy 1G; Autosomal recessive limb-girdle muscular dystrophy type 2J. Last evaluated: 2017-12-08. Review status: criteria provided, single submitter. Criteria: Invitae Variant Classification Sherloc (09022015). Collection method: clinical testing. Allele origin: germline.

Genetic Services Laboratory, University of Chicago
Classification: Uncertain significance. Last evaluated: 2017-11-13. Review status: criteria provided, single submitter. Criteria: ACMG Guidelines, 2015. Collection method: clinical testing. Allele origin: germline. Affected: no.

CHEO Genetics Diagnostic Laboratory, Children's Hospital of Eastern Ontario
Classification: Uncertain significance for Cardiomyopathy. Last evaluated: 2017-10-10. Review status: criteria provided, single submitter. Criteria: ACMG Guidelines, 2015. Collection method: clinical testing. Allele origin: germline. Study: Canadian Open Genetics Repository.

Literature cited by the submitters: PubMed 23396983 (cited by Women's Health and Genetics/Laboratory Corporation of America, LabCorp).

NM_001267550.2(TTN):c.83281G>A (p.Val27761Ile)

Genes: TTN (titin; minus strand), TTN-AS1 (TTN antisense RNA 1; plus strand). Cytogenetic location: 2q31.2.
Variant type: single nucleotide variant.
Coding change: c.83281G>A on transcript NM_001267550.2 (MANE Select); coding-DNA position 83281, G replaced by A.
Protein change: p.Val27761Ile; replaces valine 27761 with isoleucine.
Molecular consequence: missense variant.
Genome position (GRCh38, 1-based): chr2:178,562,851, C>T on the plus strand (G>A on the coding strand, the complement: TTN is on the minus strand). VCF-style: chr2-178562851-C-T. GRCh37 (hg19) VCF-style: chr2-179427578-C-T.
Other names: p.V26120I:GTC>ATC; c.78358G>A, p.Val26120Ile (NM_001256850.1); c.75577G>A, p.Val25193Ile (NM_133378.4); c.56086G>A, p.Val18696Ile (NM_003319.4); c.56461G>A, p.Val18821Ile (NM_133432.3); c.56662G>A, p.Val18888Ile (NM_133437.4); short protein forms V27761I, V25193I, V26120I, V18696I, V18821I, V18888I.
Identifiers: ClinVar variation 47422 (VCV000047422.67), dbSNP rs371788070, ClinGen allele CA140946.
Genomic context (GRCh38, chr2:178,562,851, plus strand): 5'-CTTTCTTCACTTCTCTTATGGTCAAATTCACAGGGGCACTTGGTGAGTCAAGAACTCTGA[C>T]GTTAACAAAAGCTGTTTTGGAGCCACTATTATTTTCTAATGTCAGATTATACCGACCACT-3'
Protein context (NP_001254479.2, residues 27751-27771): NSGSKTAFVN[Val27761Ile]RVLDSPSAPV